The following is an entry in ClinVar:

ClinVar aggregate classification (germline): Uncertain significance. Review status: criteria provided, multiple submitters, no conflicts (2 of 4 stars). 2 submissions from 2 submitters: Uncertain significance (2). Last evaluated 2026-02-27.

Conditions:
Hereditary cancer-predisposing syndrome. Also called: Neoplastic Syndromes, Hereditary; Tumor predisposition; Hereditary neoplastic syndrome; Hereditary Cancer Syndrome. Identifiers: Orphanet 140162, MedGen C0027672, MeSH D009386, MONDO:0015356.

Allele frequency attached by ClinVar (database versions not stated): TOPMed below 0.00001.

Submissions (2):

Ambry Genetics
Classification: Uncertain significance for Hereditary cancer-predisposing syndrome. Last evaluated: 2026-02-27. Review status: criteria provided, single submitter. Criteria: Ambry Variant Classification Scheme 2023. Collection method: clinical testing. Allele origin: germline.
Comment: The p.G1801D variant (also known as c.5402G>A), located in coding exon 40 of the POLE gene, results from a G to A substitution at nucleotide position 5402. The glycine at codon 1801 is replaced by aspartic acid, an amino acid with similar properties. This amino acid position is highly conserved in available vertebrate species. In addition, the in silico prediction for this alteration is inconclusive. Based on the available evidence, the clinical significance of this variant remains unclear.

Labcorp Genetics (formerly Invitae), Labcorp
Classification: Uncertain significance. Last evaluated: 2025-10-01. Review status: criteria provided, single submitter. Criteria: Invitae Variant Classification Sherloc (09022015). Collection method: clinical testing. Allele origin: germline.
Comment: This sequence change replaces glycine, which is neutral and non-polar, with aspartic acid, which is acidic and polar, at codon 1801 of the POLE protein (p.Gly1801Asp). This variant is not present in population databases (gnomAD no frequency). This variant has not been reported in the literature in individuals affected with POLE-related conditions. ClinVar contains an entry for this variant (Variation ID: 405673). Invitae Evidence Modeling of protein sequence and biophysical properties (such as structural, functional, and spatial information, amino acid conservation, physicochemical variation, residue mobility, and thermodynamic stability) indicates that this missense variant is not expected to disrupt POLE protein function with a negative predictive value of 80%. In summary, the available evidence is currently insufficient to determine the role of this variant in disease. Therefore, it has been classified as a Variant of Uncertain Significance.

NM_006231.4(POLE):c.5402G>A (p.Gly1801Asp)

Gene: POLE (DNA polymerase epsilon, catalytic subunit; minus strand). Cytogenetic location: 12q24.33.
Variant type: single nucleotide variant.
Coding change: c.5402G>A on transcript NM_006231.4 (MANE Select); coding-DNA position 5402, G replaced by A.
Protein change: p.Gly1801Asp; replaces glycine 1801 with aspartic acid.
Molecular consequence: missense variant.
Genome position (GRCh38, 1-based): chr12:132,639,275, C>T on the plus strand (G>A on the coding strand, the complement: POLE is on the minus strand). VCF-style: chr12-132639275-C-T. GRCh37 (hg19) VCF-style: chr12-133215861-C-T.
Other names: short protein forms G1801D.
Identifiers: ClinVar variation 405673 (VCV000405673.11), dbSNP rs1060500803, ClinGen allele CA16613799.